The following is an entry in ClinVar:

NM_005883.3(APC2):c.3913G>A (p.Gly1305Ser)

Gene: APC2 (APC regulator of WNT signaling pathway 2; plus strand). Cytogenetic location: 19p13.3.
Variant type: single nucleotide variant.
Coding change: c.3913G>A on transcript NM_005883.3 (MANE Select); coding-DNA position 3913, G replaced by A.
Protein change: p.Gly1305Ser; replaces glycine 1305 with serine.
Molecular consequence: missense variant.
Genome position (GRCh38, 1-based): chr19:1,467,214, G>A. VCF-style: chr19-1467214-G-A. GRCh37 (hg19) VCF-style: chr19-1467213-G-A.
Other names: c.3910G>A, p.Gly1304Ser (NM_001351273.1); c.3913G>A (NM_005883.2); short protein forms G1304S, G1305S.
Identifiers: ClinVar variation 2190632 (VCV002190632.2), dbSNP rs556184977, ClinGen allele CA9045767.
Genomic context (GRCh38, chr19:1,467,214, plus strand): 5'-GAGCACTACGTGCAGCAGGACGTGGAGCTGCGGCTGCTGCCCTCGGCCTGCCCCGAGCGC[G>A]GCGGGGGCGCCGGGGGCGCCGGCCTCCACTTTGCAGGGCACCGGCGGCGGGAGGAGGGGC-3'
Protein context (NP_005874.1, residues 1295-1315): RLLPSACPER[Gly1305Ser]GGAGGAGLHF

ClinVar aggregate classification (germline): Uncertain significance. Review status: criteria provided, multiple submitters, no conflicts (2 of 4 stars). 2 submissions from 2 submitters: Uncertain significance (2). Last evaluated 2022-11-11.

Allele frequency attached by ClinVar (database versions not stated): ExAC 0.00002; gnomAD 0.00006; TOPMed 0.00013; 1000 Genomes Project 30x 0.00047; 1000 Genomes Project 0.00060.
gnomAD v4.1: 39 of 1,402,882 alleles (0.0028%); highest among the groups gnomAD compares: Admixed American, 0.043%; no homozygotes.

Submissions (2):

GeneDx
Classification: Uncertain significance. Last evaluated: 2022-11-11. Review status: criteria provided, single submitter. Criteria: GeneDx Variant Classification Process June 2021. Collection method: clinical testing. Allele origin: germline. Affected: yes.
Comment: Not observed at significant frequency in large population cohorts (gnomAD); In silico analysis supports that this missense variant does not alter protein structure/function; Has not been previously published as pathogenic or benign to our knowledge

Labcorp Genetics (formerly Invitae), Labcorp
Classification: Uncertain significance. Last evaluated: 2022-08-06. Review status: criteria provided, single submitter. Criteria: Invitae Variant Classification Sherloc (09022015). Collection method: clinical testing. Allele origin: germline.
Comment: This sequence change replaces glycine, which is neutral and non-polar, with serine, which is neutral and polar, at codon 1305 of the APC2 protein (p.Gly1305Ser). This variant is present in population databases (rs556184977, gnomAD 0.009%). This variant has not been reported in the literature in individuals affected with APC2-related conditions. Algorithms developed to predict the effect of missense changes on protein structure and function output the following: SIFT: "Tolerated"; PolyPhen-2: "Benign"; Align-GVGD: "Class C0". The serine amino acid residue is found in multiple mammalian species, which suggests that this missense change does not adversely affect protein function. In summary, the available evidence is currently insufficient to determine the role of this variant in disease. Therefore, it has been classified as a Variant of Uncertain Significance.